The following is an entry in ClinVar:

ClinVar aggregate classification (germline): Uncertain significance (1 of 4 stars; one submission).

Conditions:
Congenital muscular dystrophy due to integrin alpha-7 deficiency. Also called: Congenital muscular dystrophy with integrin alpha-7 deficiency; Muscular dystrophy, congenital, due to ITGA7 deficiency; MYOPATHY, CONGENITAL, DUE TO INTEGRIN ALPHA-7 DEFICIENCY. Identifiers: Orphanet 34520, MedGen C2750786, MONDO:0013177, OMIM 613204.

Allele frequency attached by ClinVar (database versions not stated): gnomAD exomes below 0.00001 and 0.00001; TOPMed below 0.00001; ExAC 0.00001; gnomAD 0.00001.
gnomAD v4.1: 10 of 1,613,430 alleles (0.00062%); highest among the groups gnomAD compares: East Asian, 0.0022%; no homozygotes.

Submission:

Labcorp Genetics (formerly Invitae), Labcorp
Classification: Uncertain significance for Congenital muscular dystrophy due to integrin alpha-7 deficiency. Last evaluated: 2020-10-18. Review status: criteria provided, single submitter. Criteria: Invitae Variant Classification Sherloc (09022015). Collection method: clinical testing. Allele origin: germline.
Comment: In summary, the available evidence is currently insufficient to determine the role of this variant in disease. Therefore, it has been classified as a Variant of Uncertain Significance. Algorithms developed to predict the effect of missense changes on protein structure and function output the following: SIFT: "Tolerated"; PolyPhen-2: "Benign"; Align-GVGD: "Class C0". The methionine amino acid residue is found in multiple mammalian species, suggesting that this missense change does not adversely affect protein function. These predictions have not been confirmed by published functional studies and their clinical significance is uncertain. This variant has not been reported in the literature in individuals with ITGA7-related conditions. This variant is present in population databases (rs772161897, ExAC 0.01%). This sequence change replaces valine with methionine at codon 274 of the ITGA7 protein (p.Val274Met). The valine residue is weakly conserved and there is a small physicochemical difference between valine and methionine.

NM_002206.3(ITGA7):c.820G>A (p.Val274Met)

Gene: ITGA7 (integrin subunit alpha 7; minus strand). Cytogenetic location: 12q13.2.
Variant type: single nucleotide variant.
Coding change: c.820G>A on transcript NM_002206.3 (MANE Select); coding-DNA position 820, G replaced by A.
Protein change: p.Val274Met; replaces valine 274 with methionine.
Molecular consequence: missense variant. On other transcripts: 5 prime UTR variant (1).
Genome position (GRCh38, 1-based): chr12:55,698,888, C>T on the plus strand (G>A on the coding strand, the complement: ITGA7 is on the minus strand). VCF-style: chr12-55698888-C-T. GRCh37 (hg19) VCF-style: chr12-56092672-C-T.
Other names: c.832G>A, p.Val278Met (NM_001144996.2, NM_001414029.1, NM_001414030.1); c.541G>A, p.Val181Met (NM_001144997.2); c.493G>A, p.Val165Met (NM_001367993.1); c.-473G>A (NM_001367994.1); c.820G>A, p.Val274Met (NM_001374465.1, NM_001414031.1, NM_001414034.1); c.952G>A, p.Val318Met (NM_001410977.1); c.700G>A, p.Val234Met (NM_001414032.1); c.637G>A, p.Val213Met (NM_001414033.1); and 1 more; short protein forms V165M, V181M, V274M, V278M, V318M, V161M, V213M, V234M.
Identifiers: ClinVar variation 1009028 (VCV001009028.6), dbSNP rs772161897, ClinGen allele CA6616147.
Genomic context (GRCh38, chr12:55,698,888, plus strand): 5'-CAGCACCCTTGTGGTTGGCGCGGGGGGCTCCAGCCACAAAGCTCAGCTCTTCTGCACGCA[C>T]CAGACCTTTCCCCGAGTCAATAGAGAAGCCTGGGGGAAGGGTGACTTACCCCTAAGTCTT-3'
Protein context (NP_002197.2, residues 264-284): GFSIDSGKGL[Val274Met]RAEELSFVAG